The following is an entry in ClinVar:

ClinVar aggregate classification (germline): Uncertain significance. Review status: criteria provided, multiple submitters, no conflicts (2 of 4 stars). 2 submissions from 2 submitters: Uncertain significance (2). Last evaluated 2026-01-26.

Conditions:
Hereditary cancer-predisposing syndrome. Also called: Hereditary neoplastic syndrome; Neoplastic Syndromes, Hereditary; Hereditary Cancer Syndrome; Tumor predisposition. Identifiers: Orphanet 140162, MedGen C0027672, MeSH D009386, MONDO:0015356.
Multiple endocrine neoplasia, type 2 (MEN2). Identifiers: Orphanet 653, MedGen C4048306, MONDO:0019003. Disease mechanism: gain of function.

Allele frequency attached by ClinVar (database versions not stated): gnomAD exomes below 0.00001 and 0.00001; TOPMed below 0.00001; ExAC 0.00001; gnomAD 0.00001.
gnomAD v4.1: 8 of 1,613,236 alleles (0.0005%); highest among the groups gnomAD compares: South Asian, 0.0033%; no homozygotes.

Submissions (2):

Labcorp Genetics (formerly Invitae), Labcorp
Classification: Uncertain significance for Multiple endocrine neoplasia, type 2. Last evaluated: 2026-01-26. Review status: criteria provided, single submitter. Criteria: Invitae Variant Classification Sherloc (09022015). Collection method: clinical testing. Allele origin: germline.
Comment: This sequence change replaces glutamic acid, which is acidic and polar, with lysine, which is basic and polar, at codon 614 of the RET protein (p.Glu614Lys). This variant is present in population databases (rs769971379, gnomAD 0.003%). This variant has not been reported in the literature in individuals affected with RET-related conditions. ClinVar contains an entry for this variant (Variation ID: 659906). An algorithm developed to predict the effect of missense changes on protein structure and function outputs the following: PolyPhen-2: "Benign". The lysine amino acid residue is found in multiple mammalian species, which suggests that this missense change does not adversely affect protein function. In summary, the available evidence is currently insufficient to determine the role of this variant in disease. Therefore, it has been classified as a Variant of Uncertain Significance.

Ambry Genetics
Classification: Uncertain significance for Hereditary cancer-predisposing syndrome. Last evaluated: 2024-03-30. Review status: criteria provided, single submitter. Criteria: Ambry Variant Classification Scheme 2023. Collection method: clinical testing. Allele origin: germline.
Comment: The p.E614K variant (also known as c.1840G>A), located in coding exon 10 of the RET gene, results from a G to A substitution at nucleotide position 1840. The glutamic acid at codon 614 is replaced by lysine, an amino acid with similar properties. This amino acid position is well conserved in available vertebrate species. In addition, the in silico prediction for this alteration is inconclusive. Since supporting evidence is limited at this time, the clinical significance of this alteration remains unclear.

NM_020975.6(RET):c.1840G>A (p.Glu614Lys)

Gene: RET (ret proto-oncogene; plus strand). Cytogenetic location: 10q11.21.
Variant type: single nucleotide variant.
Coding change: c.1840G>A on transcript NM_020975.6 (MANE Select); coding-DNA position 1840, G replaced by A.
Protein change: p.Glu614Lys; replaces glutamic acid 614 with lysine.
Molecular consequence: missense variant.
Genome position (GRCh38, 1-based): chr10:43,113,636, G>A. VCF-style: chr10-43113636-G-A. GRCh37 (hg19) VCF-style: chr10-43609084-G-A.
Other names: c.1840G>A, p.Glu614Lys (NM_000323.2, NM_001406743.1, NM_001406744.1 and 6 more transcripts); c.1078G>A, p.Glu360Lys (NM_001355216.2); c.1711G>A, p.Glu571Lys (NM_001406761.1, NM_001406762.1, NM_001406764.1 and 1 more transcripts); c.1552G>A, p.Glu518Lys (NM_001406766.1, NM_001406767.1, NM_001406770.1); c.1444G>A, p.Glu482Lys (NM_001406769.1, NM_001406772.1); c.1402G>A, p.Glu468Lys (NM_001406771.1, NM_001406773.1); c.1315G>A, p.Glu439Lys (NM_001406774.1); c.1114G>A, p.Glu372Lys (NM_001406775.1, NM_001406776.1, NM_001406777.1 and 1 more transcripts); and 5 more; short protein forms E614K, E360K, E131K, E315K, E372K, E571K, E272K, E284K.
Identifiers: ClinVar variation 659906 (VCV000659906.13), dbSNP rs769971379, ClinGen allele CA035793.
Genomic context (GRCh38, chr10:43,113,636, plus strand): 5'-CACGAGCCTGGGGAGCCCCGGGGGATTAAAGCTGGCTATGGCACCTGCAACTGCTTCCCT[G>A]AGGAGGAGAAGTGCTTCTGCGAGCCCGAAGACATCCAGGGTGAGTGGGTGGCGGCCGGGA-3'
Protein context (NP_066124.1, residues 604-624): AGYGTCNCFP[Glu614Lys]EEKCFCEPED